The following is an entry in ClinVar:

ClinVar aggregate classification (germline): Benign. Review status: criteria provided, multiple submitters, no conflicts (2 of 4 stars). 6 submissions from 6 submitters: Benign (5). 1 of the submissions does not count toward it. Last evaluated 2026-02-03.

Conditions:
PCDH12-related disorder. Also called: PCDH12-related condition.
Diencephalic-mesencephalic junction dysplasia syndrome 1 (DMJDS1). Also called: Microcephaly with spastic quadriplegia. Identifiers: MedGen C4538630, MONDO:0009625, OMIM 251280.

Submissions (6):

Labcorp Genetics (formerly Invitae), Labcorp
Classification: Benign. Last evaluated: 2026-02-03. Review status: criteria provided, single submitter. Criteria: Invitae Variant Classification Sherloc (09022015). Collection method: clinical testing. Allele origin: germline.

Blueprint Genetics
Classification: Benign. Last evaluated: 2024-11-26. Review status: criteria provided, single submitter. Criteria: ACMG Guidelines, 2015. Collection method: clinical testing. Allele origin: germline.

Mayo Clinic Laboratories, Mayo Clinic
Classification: Benign. Last evaluated: 2021-11-29. Review status: criteria provided, single submitter. Criteria: ACMG Guidelines, 2015. Collection method: clinical testing. Allele origin: germline. Observed: 160 variant alleles.

Genome-Nilou Lab
Classification: Benign for Diencephalic-mesencephalic junction dysplasia syndrome 1. Last evaluated: 2021-09-05. Review status: criteria provided, single submitter. Criteria: ACMG Guidelines, 2015. Collection method: clinical testing. Allele origin: germline. Affected: no.

GeneDx
Classification: Benign. Last evaluated: 2020-11-26. Review status: criteria provided, single submitter. Criteria: GeneDx Variant Classification Process June 2021. Collection method: clinical testing. Allele origin: germline. Affected: yes.

PreventionGenetics, part of Exact Sciences
Classification: Benign for PCDH12-related condition. Last evaluated: 2019-09-10. Review status: no assertion criteria provided. Collection method: clinical testing. Allele origin: germline. Not counted in ClinVar's aggregate classification.
Comment: This variant is classified as benign based on ACMG/AMP sequence variant interpretation guidelines (Richards et al. 2015 PMID: 25741868, with internal and published modifications).

NM_016580.4(PCDH12):c.3528CAG[9] (p.Ser1179_Ser1181dup)

Gene: PCDH12 (protocadherin 12; minus strand). Cytogenetic location: 5q31.3.
Variant type: Microsatellite.
Coding change: c.3528CAG[9] on transcript NM_016580.4 (MANE Select); nine copies in a row of the 3-base unit CAG starting at c.3528; the reference has six copies in a row; three copies, 9 bases duplicated; also written c.3537_3545dup.
Protein change: p.Ser1179_Ser1181dup.
Molecular consequence: inframe insertion.
Genome position (GRCh38, 1-based): chr5:141,945,391-141,945,399, CTGCTGCTG duplicated on the plus strand (CAGCAGCAG on the coding strand, the reverse complement: PCDH12 is on the minus strand); duplicating any 9 consecutive bases within chr5:141,945,391-141,945,409 gives the same sequence; the position shown is the placement nearest the transcript's 3' end. VCF-style (leftmost placement, unchanged base first): chr5-141945390-C-CCTGCTGCTG. GRCh37 (hg19) VCF-style: chr5-141324955-C-CCTGCTGCTG.
Other names: p.Ser1179_Ser1181dup; c.3537_3545dup9 (NM_016580.3); c.3537_3545dup (NM_016580.3).
Identifiers: ClinVar variation 768040 (VCV000768040.19), dbSNP rs5871792, ClinGen allele CA3483909.
Genomic context (GRCh38, chr5:141,945,390, plus strand): 5'-CACAGATCCTCAGGCCCCTGGTTCTTGGATCCAGAGGCGTCTGAGGTATGTTCACAGGCA[C>CCTGCTGCTG]CTGCTGCTGCTGCTGCTGCCTCTGCTCTTGCCCTCAGTCCCCGTCTTTCCACCTGGGTCC-3'